The following is an entry in ClinVar:

ClinVar aggregate classification (germline): Uncertain significance (1 of 4 stars; one submission).

Conditions:
PKD1-related disorder. Also called: PKD1-related condition.

Submission:

PreventionGenetics, part of Exact Sciences
Classification: Uncertain significance for PKD1-related condition. Last evaluated: 2026-04-13. Review status: criteria provided, single submitter. Criteria: ACMG Guidelines, 2015. Collection method: clinical testing. Allele origin: germline.
Comment: The PKD1 c.11535C>G variant is predicted to result in the amino acid substitution p.Asn3845Lys. To our knowledge, this variant has not been reported in the literature or in a large population database (gnomAD), indicating this variant is rare. At this time, the clinical significance of this variant is uncertain due to the absence of conclusive functional and genetic evidence.

NM_001009944.3(PKD1):c.11535C>G (p.Asn3845Lys)

Genes: PKD1 (polycystin 1, transient receptor potential channel interacting; minus strand), PKD1-AS1 (PKD1 antisense RNA 1; plus strand). Cytogenetic location: 16p13.3.
Variant type: single nucleotide variant.
Coding change: c.11535C>G on transcript NM_001009944.3 (MANE Select); coding-DNA position 11535, C replaced by G.
Protein change: p.Asn3845Lys; replaces asparagine 3845 with lysine.
Molecular consequence: missense variant.
Genome position (GRCh38, 1-based): chr16:2,091,783, G>C on the plus strand (C>G on the coding strand, the complement: PKD1 is on the minus strand). VCF-style: chr16-2091783-G-C. GRCh37 (hg19) VCF-style: chr16-2141784-G-C.
Other names: c.11532C>G, p.Asn3844Lys (NM_000296.4); short protein forms N3844K, N3845K.
Identifiers: ClinVar variation 4995180 (VCV004995180.1).
Genomic context (GRCh38, chr16:2,091,783, plus strand): 5'-TGGGCTCCTGGCTGGTGACTGCGGCCACCCCGGAGAGGGCAGGGGAGGGAGCTCCCACCT[G>C]TTGTCCAGCCAGTTGTGCAGCTGCAGGAAGCGCAGCCGGTCGCGGCTCTCCTCCAGGCTC-3'
Protein context (NP_001009944.3, residues 3835-3855): RFLQLHNWLD[Asn3845Lys]RSRAVFLELT